The following is an entry in ClinVar:

NM_000400.4(ERCC2):c.2047-13_2048del

Gene: ERCC2 (ERCC excision repair 2, TFIIH core complex helicase subunit; minus strand). Cytogenetic location: 19q13.32.
Variant type: Deletion.
Coding change: c.2047-13_2048del on transcript NM_000400.4 (MANE Select); 13 bases into the intron before coding-DNA position 2047 through coding-DNA position 2048, 15 bases deleted (CTTCTGCCCACAGCG).
Molecular consequence: splice acceptor variant.
Genome position (GRCh38, 1-based): chr19:45,352,351-45,352,365, CGCTGTGGGCAGAAG deleted on the plus strand (CTTCTGCCCACAGCG on the coding strand, the reverse complement: ERCC2 is on the minus strand); deleting any 15 consecutive bases within chr19:45,352,351-45,352,368 gives the same sequence; the c. name uses the placement nearest the transcript's 3' end. VCF-style (leftmost placement, unchanged base first): chr19-45352350-CCGCTGTGGGCAGAAG-C. GRCh37 (hg19) VCF-style: chr19-45855608-CCGCTGTGGGCAGAAG-C.
Identifiers: ClinVar variation 1515154 (VCV001515154.10), dbSNP rs1327017125, ClinGen allele CA507953345.

ClinVar aggregate classification (germline): Likely pathogenic. Review status: criteria provided, multiple submitters, no conflicts (2 of 4 stars). 4 submissions from 4 submitters: Likely pathogenic (4). Last evaluated 2025-11-18.

Conditions:
Cerebrooculofacioskeletal syndrome 2 (COFS2). Identifiers: MedGen C1853102, MONDO:0012553, OMIM 610756.
Xeroderma pigmentosum, group D (XPD). Also called: XERODERMA PIGMENTOSUM, COMPLEMENTATION GROUP D; ERCC2-Related Xeroderma Pigmentosum; XERODERMA PIGMENTOSUM IV; XP, GROUP D; XP, GROUP H. Identifiers: MedGen C0268138, MONDO:0010212, OMIM 278730.
Trichothiodystrophy 1, photosensitive (TTD1). Also called: TAY SYNDROME; TRICHOTHIODYSTROPHY WITH CONGENITAL ICHTHYOSIS; PIBIDS SYNDROME. Identifiers: Orphanet 33364, MedGen C1866504, MONDO:0011125, OMIM 601675.
ERCC2-related disorder. Also called: ERCC2-related conditions; ERCC2-related condition; ERCC2-related disorders. Identifiers: MedGen CN239291.

Submissions (4):

Labcorp Genetics (formerly Invitae), Labcorp
Classification: Likely pathogenic. Last evaluated: 2025-11-18. Review status: criteria provided, single submitter. Criteria: Invitae Variant Classification Sherloc (09022015). Collection method: clinical testing. Allele origin: germline.
Comment: This variant results in the deletion of part of exon 22 (c.2047-13_2048del) of the ERCC2 gene. It is expected to disrupt RNA splicing. Variants that disrupt the donor or acceptor splice site typically lead to a loss of protein function (PMID: 16199547), and loss-of-function variants in ERCC2 are known to be pathogenic (PMID: 9238033, 11335038, 19085937, 19934020). The frequency data for this variant in the population databases is considered unreliable, as metrics indicate poor data quality at this position in the gnomAD database. This variant has not been reported in the literature in individuals affected with ERCC2-related conditions. ClinVar contains an entry for this variant (Variation ID: 1515154). In summary, the currently available evidence indicates that the variant is pathogenic, but additional data are needed to prove that conclusively. Therefore, this variant has been classified as Likely Pathogenic.

Baylor Genetics
Classification: Likely pathogenic for Cerebrooculofacioskeletal syndrome 2. Last evaluated: 2024-03-26. Review status: criteria provided, single submitter. Criteria: ACMG Guidelines, 2015. Collection method: clinical testing. Allele origin: unknown.

Fulgent Genetics
Classification: Likely pathogenic for Xeroderma pigmentosum, group D; Trichothiodystrophy 1, photosensitive; Cerebrooculofacioskeletal syndrome 2. Last evaluated: 2024-03-26. Review status: criteria provided, single submitter. Criteria: ACMG Guidelines, 2015. Collection method: clinical testing. Allele origin: germline.

Blueprint Genetics
Classification: Likely pathogenic for ERCC2-related disorders. Last evaluated: 2019-11-15. Review status: criteria provided, single submitter. Criteria: ACMG Guidelines, 2015. Collection method: clinical testing. Allele origin: germline. Affected: yes. Observed: 1 variant allele.

Literature cited by the submitters: PubMed 16199547 (cited by Labcorp Genetics (formerly Invitae), Labcorp); PubMed 9238033 (cited by Labcorp Genetics (formerly Invitae), Labcorp); PubMed 11335038 (cited by Labcorp Genetics (formerly Invitae), Labcorp); PubMed 19085937 (cited by Labcorp Genetics (formerly Invitae), Labcorp); PubMed 19934020 (cited by Labcorp Genetics (formerly Invitae), Labcorp).